The following is an entry in ClinVar:

NM_001204.7(BMPR2):c.632G>A (p.Arg211Gln)

Gene: BMPR2 (bone morphogenetic protein receptor type 2; plus strand). Cytogenetic location: 2q33.2.
Variant type: single nucleotide variant.
Coding change: c.632G>A on transcript NM_001204.7 (MANE Select); coding-DNA position 632, G replaced by A.
Protein change: p.Arg211Gln; replaces arginine 211 with glutamine.
Molecular consequence: missense variant.
Genome position (GRCh38, 1-based): chr2:202,518,832, G>A. VCF-style: chr2-202518832-G-A. GRCh37 (hg19) VCF-style: chr2-203383555-G-A.
Other names: short protein forms R211Q.
Identifiers: ClinVar variation 2086327 (VCV002086327.5), dbSNP rs762971867, ClinGen allele CA2061179.
Genomic context (GRCh38, chr2:202,518,832, plus strand): 5'-GATTGTTCAATTGTGATATTAATACCTTGCTTTCTTTAAAACACTTGCAGCTGATTGGCC[G>A]AGGTCGATATGGAGCAGTATATAAAGGCTCCTTGGATGAGCGTCCAGTTGCTGTAAAAGT-3'
Protein context (NP_001195.2, residues 201-221): DNLKLLELIG[Arg211Gln]GRYGAVYKGS

ClinVar aggregate classification (germline): Conflicting classifications of pathogenicity. Review status: criteria provided, conflicting classifications (1 of 4 stars). 2 submissions from 2 submitters: Uncertain significance (1); Likely benign (1). Last evaluated 2025-03-15.

Conditions:
Primary pulmonary hypertension. Also called: Idiopathic pulmonary hypertension. Identifiers: MedGen C0152171.
Inborn genetic diseases. Identifiers: MedGen C0950123, MeSH D030342.

Allele frequency attached by ClinVar (database versions not stated): TOPMed below 0.00001; gnomAD exomes 0.00001; ExAC 0.00002.

Submissions (2):

Ambry Genetics
Classification: Uncertain significance for Inborn genetic diseases. Last evaluated: 2025-03-15. Review status: criteria provided, single submitter. Criteria: Ambry Variant Classification Scheme 2023. Collection method: clinical testing. Allele origin: germline.
Comment: The p.R211Q variant (also known as c.632G>A), located in coding exon 6 of the BMPR2 gene, results from a G to A substitution at nucleotide position 632. The arginine at codon 211 is replaced by glutamine, an amino acid with highly similar properties. This amino acid position is conserved. In addition, the in silico prediction for this alteration is inconclusive. Based on the available evidence, the clinical significance of this variant remains unclear.

Labcorp Genetics (formerly Invitae), Labcorp
Classification: Likely benign for Primary pulmonary hypertension. Last evaluated: 2022-02-24. Review status: criteria provided, single submitter. Criteria: Invitae Variant Classification Sherloc (09022015). Collection method: clinical testing. Allele origin: germline.